The following is an entry in ClinVar:

NM_001035.3(RYR2):c.1775G>T (p.Gly592Val)

Gene: RYR2 (ryanodine receptor 2; plus strand). Cytogenetic location: 1q43.
Variant type: single nucleotide variant.
Coding change: c.1775G>T on transcript NM_001035.3 (MANE Select); coding-DNA position 1775, G replaced by T.
Protein change: p.Gly592Val; replaces glycine 592 with valine.
Molecular consequence: missense variant.
Genome position (GRCh38, 1-based): chr1:237,491,872, G>T. VCF-style: chr1-237491872-G-T. GRCh37 (hg19) VCF-style: chr1-237655172-G-T.
Other names: c.1775G>T, p.Gly592Val (LRG_402t1); short protein forms G592V.
Identifiers: ClinVar variation 377342 (VCV000377342.3), dbSNP rs794728724, ClinGen allele CA16603349.

ClinVar aggregate classification (germline): Uncertain significance (1 of 4 stars; one submission).

Submission:

Center for Pediatric Genomic Medicine, Children's Mercy Hospital and Clinics
Classification: Uncertain significance. Last evaluated: 2016-07-29. Review status: criteria provided, single submitter. Criteria: ACMG Guidelines, 2015. Collection method: clinical testing. Allele origin: germline.
ClinVar note: Converted during submission from Uncertain Significance to Uncertain significance.